The following is an entry in ClinVar:

ClinVar aggregate classification (germline): Likely pathogenic (1 of 4 stars; one submission).

Conditions:
Hermansky-Pudlak syndrome 11 (HPS11). Identifiers: MedGen C5436936, MONDO:0030903, OMIM 619172.

Submission:

Laboratorio de Genetica e Diagnostico Molecular, Hospital Israelita Albert Einstein
Classification: Likely pathogenic for Hermansky-Pudlak syndrome 11. Last evaluated: 2022-09-23. Review status: criteria provided, single submitter. Criteria: ACMG Guidelines, 2015. Collection method: clinical testing. Allele origin: germline. Affected: yes.
Comment: ACMG classification criteria: PVS1 strong, PM2 moderated

NM_201280.3(BLOC1S5):c.19G>T (p.Glu7Ter)

Genes: BLOC1S5 (biogenesis of lysosomal organelles complex 1 subunit 5; minus strand), BLOC1S5-TXNDC5 (BLOC1S5-TXNDC5 readthrough (NMD candidate); minus strand), EEF1E1-BLOC1S5 (EEF1E1-BLOC1S5 readthrough (NMD candidate); minus strand). Cytogenetic location: 6p24.3.
Variant type: single nucleotide variant.
Coding change: c.19G>T on transcript NM_201280.3 (MANE Select); coding-DNA position 19, G replaced by T.
Protein change: p.Glu7Ter; replaces glutamic acid 7 with a stop codon.
Molecular consequence: nonsense. On other transcripts: non-coding transcript variant (1), 5 prime UTR variant (1).
Genome position (GRCh38, 1-based): chr6:8,064,358, C>A on the plus strand (G>T on the coding strand, the complement: BLOC1S5 is on the minus strand). VCF-style: chr6-8064358-C-A. GRCh37 (hg19) VCF-style: chr6-8064591-C-A.
Other names: c.-277G>T (NM_001199322.1); c.19G>T, p.Glu7Ter (NM_001199323.1); short protein forms E7*.
Identifiers: ClinVar variation 2431939 (VCV002431939.2), dbSNP rs1757380540, ClinGen allele CA362683867.